The following is an entry in ClinVar:

ClinVar aggregate classification (germline): Pathogenic (1 of 4 stars; one submission).

Conditions:
Cardiovascular phenotype. Identifiers: MedGen CN230736.
Hereditary cancer-predisposing syndrome. Also called: Tumor predisposition; Hereditary Cancer Syndrome; Neoplastic Syndromes, Hereditary; Hereditary neoplastic syndrome. Identifiers: Orphanet 140162, MedGen C0027672, MeSH D009386, MONDO:0015356.

Submission:

Ambry Genetics
Classification: Pathogenic for Cardiovascular phenotype; Hereditary cancer-predisposing syndrome. Last evaluated: 2022-06-18. Review status: criteria provided, single submitter. Criteria: Ambry Variant Classification Scheme 2023. Collection method: clinical testing. Allele origin: germline.
Comment: The p.S883* pathogenic mutation (also known as c.2648C>G), located in coding exon 21 of the NF1 gene, results from a C to G substitution at nucleotide position 2648. This changes the amino acid from a serine to a stop codon within coding exon 21. This alteration has been observed in at least one individual with a personal and/or family history that is consistent with NF1-related disease (Ambry internal data). This variant is considered to be rare based on population cohorts in the Genome Aggregation Database (gnomAD). This alteration is expected to result in loss of function by premature protein truncation or nonsense-mediated mRNA decay. As such, this alteration is interpreted as a disease-causing mutation.

NM_001042492.3(NF1):c.2648C>G (p.Ser883Ter)

Gene: NF1 (neurofibromin 1; plus strand). Cytogenetic location: 17q11.2.
Variant type: single nucleotide variant.
Coding change: c.2648C>G on transcript NM_001042492.3 (MANE Select); coding-DNA position 2648, C replaced by G.
Protein change: p.Ser883Ter; replaces serine 883 with a stop codon.
Molecular consequence: nonsense.
Genome position (GRCh38, 1-based): chr17:31,229,263, C>G. VCF-style: chr17-31229263-C-G. GRCh37 (hg19) VCF-style: chr17-29556281-C-G.
Other names: c.2648C>G, p.Ser883Ter (NM_000267.4); short protein forms S883*.
Identifiers: ClinVar variation 1794272 (VCV001794272.2), dbSNP rs2151429346, ClinGen allele CA398984704.
Genomic context (GRCh38, chr17:31,229,263, plus strand): 5'-ATAGCCCACCCATGGGTCCAGTCAGTGAACGTAAGGGTTCTATGATTTCAGTGATGTCTT[C>G]AGAGGGAAACGCAGATACACCTGTCAGCAAATTTATGGATCGGCTGTTGTCCTTAATGGT-3'